The following is an entry in ClinVar:

NM_006254.4(PRKCD):c.680T>C (p.Ile227Thr)

Gene: PRKCD (protein kinase C delta; plus strand). Cytogenetic location: 3p21.1.
Variant type: single nucleotide variant.
Coding change: c.680T>C on transcript NM_006254.4 (MANE Select); coding-DNA position 680, T replaced by C.
Protein change: p.Ile227Thr; replaces isoleucine 227 with threonine.
Molecular consequence: missense variant.
Genome position (GRCh38, 1-based): chr3:53,183,474, T>C. VCF-style: chr3-53183474-T-C. GRCh37 (hg19) VCF-style: chr3-53217490-T-C.
Other names: c.680T>C, p.Ile227Thr (NM_001316327.2, NM_001354679.2, NM_001354680.2 and 1 more transcripts); c.737T>C, p.Ile246Thr (NM_001354676.2); c.728T>C, p.Ile243Thr (NM_001354678.2); short protein forms I243T, I227T, I246T.
Identifiers: ClinVar variation 2098823 (VCV002098823.4), dbSNP rs2471091240, ClinGen allele CA353219964.

ClinVar aggregate classification (germline): Uncertain significance (1 of 4 stars; one submission).

Conditions:
Autoimmune lymphoproliferative syndrome, type III caused by mutation in PRKCD. Identifiers: Orphanet 3261, Orphanet 664711, MedGen C3809928, MONDO:8000024, OMIM 615559.

Allele frequency attached by ClinVar (database versions not stated): gnomAD exomes below 0.00001.
gnomAD v4.1: 1 of 1,614,204 alleles (0.000062%); highest among the groups gnomAD compares: Non-Finnish European, 0.000085%; no homozygotes.

Submission:

Labcorp Genetics (formerly Invitae), Labcorp
Classification: Uncertain significance for Autoimmune lymphoproliferative syndrome, type III caused by mutation in PRKCD. Last evaluated: 2024-10-16. Review status: criteria provided, single submitter. Criteria: Invitae Variant Classification Sherloc (09022015). Collection method: clinical testing. Allele origin: germline.
Comment: This sequence change replaces isoleucine, which is neutral and non-polar, with threonine, which is neutral and polar, at codon 227 of the PRKCD protein (p.Ile227Thr). This variant is not present in population databases (gnomAD no frequency). This variant has not been reported in the literature in individuals affected with PRKCD-related conditions. ClinVar contains an entry for this variant (Variation ID: 2098823). An algorithm developed to predict the effect of missense changes on protein structure and function (PolyPhen-2) suggests that this variant is likely to be disruptive. In summary, the available evidence is currently insufficient to determine the role of this variant in disease. Therefore, it has been classified as a Variant of Uncertain Significance.